The following is an entry in ClinVar:

ClinVar aggregate classification (germline): Conflicting classifications of pathogenicity. Review status: criteria provided, conflicting classifications (1 of 4 stars). 4 submissions from 4 submitters: Uncertain significance (1); Likely benign (1). 2 of the submissions do not count toward it. Last evaluated 2025-12-24.

Conditions:
Hereditary breast ovarian cancer syndrome. Also called: Breast and ovarian cancer; Hereditary breast and ovarian cancer; Hereditary breast and ovarian cancer syndrome; BRCA1- and BRCA2-Associated Hereditary Breast and Ovarian Cancer; Hereditary breast and ovarian cancer syndrome (HBOC); Hereditary breast and/or ovarian cancer syndrome. Identifiers: Orphanet 145, MedGen C0677776, MeSH D061325, MONDO:0003582. Disease mechanism: loss of function.
Breast-ovarian cancer, familial, susceptibility to, 2 (BROVCA2). Also called: BRCA2 Hereditary Breast and Ovarian Cancer. Identifiers: Orphanet 145, MedGen C2675520, MONDO:0012933, OMIM 612555. Disease mechanism: loss of function.
Hereditary cancer-predisposing syndrome. Also called: Tumor predisposition; Hereditary Cancer Syndrome; Neoplastic Syndromes, Hereditary; Hereditary neoplastic syndrome. Identifiers: Orphanet 140162, MedGen C0027672, MeSH D009386, MONDO:0015356.

Allele frequency attached by ClinVar (database versions not stated): gnomAD 0.00001.

Submissions (4):

Labcorp Genetics (formerly Invitae), Labcorp
Classification: Likely benign for Hereditary breast ovarian cancer syndrome. Last evaluated: 2025-12-24. Review status: criteria provided, single submitter. Criteria: Invitae Variant Classification Sherloc (09022015). Collection method: clinical testing. Allele origin: germline.

Color Diagnostics, LLC DBA Color Health
Classification: Uncertain significance for Hereditary cancer-predisposing syndrome. Last evaluated: 2023-08-03. Review status: criteria provided, single submitter. Criteria: ACMG Guidelines, 2015. Collection method: clinical testing. Allele origin: germline.
Comment: This variant causes a C to A nucleotide substitution at the -9 position of intron 14 of the BRCA2 gene. To our knowledge, functional studies have not been reported for this variant. This variant has not been reported in individuals affected with hereditary cancer in the literature. This variant has not been identified in the general population by the Genome Aggregation Database (gnomAD). The available evidence is insufficient to determine the role of this variant in disease conclusively. Therefore, this variant is classified as a Variant of Uncertain Significance.

Counsyl
Classification: Uncertain significance for Breast-ovarian cancer, familial, susceptibility to, 2. Last evaluated: 2017-01-11. Review status: no assertion criteria provided. Collection method: clinical testing. Allele origin: unknown. Not counted in ClinVar's aggregate classification.

Sharing Clinical Reports Project (SCRP)
Classification: Uncertain significance for Breast-ovarian cancer, familial 2. Last evaluated: 2007-09-21. Review status: no assertion criteria provided. Collection method: clinical testing. Allele origin: germline. Not counted in ClinVar's aggregate classification.

NM_000059.4(BRCA2):c.7436-9C>A

Gene: BRCA2 (BRCA2 DNA repair associated; plus strand). Cytogenetic location: 13q13.1.
Variant type: single nucleotide variant.
Coding change: c.7436-9C>A on transcript NM_000059.4 (MANE Select); 9 bases into the intron before coding-DNA position 7436, C replaced by A.
Molecular consequence: intron variant.
Genome position (GRCh38, 1-based): chr13:32,356,419, C>A. VCF-style: chr13-32356419-C-A. GRCh37 (hg19) VCF-style: chr13-32930556-C-A.
Other names: IVS14-9C>A.
Identifiers: ClinVar variation 91480 (VCV000091480.19), dbSNP rs398122584, ClinGen allele CA025088.
Genomic context (GRCh38, chr13:32,356,419, plus strand): 5'-TGTGCCTGGCCAGGGGTTGTGCTTTTTAAATTTCAATTTTATTTTTGCTAAGTATTTATT[C>A]TTTGATAGATTTAATTACAAGTCTTCAGAATGCCAGAGATATACAGGATATGCGAATTAA-3'